The following is an entry in ClinVar:

NM_006147.4(IRF6):c.459G>T (p.Ser153=)

Gene: IRF6 (interferon regulatory factor 6; minus strand). Cytogenetic location: 1q32.2.
Variant type: single nucleotide variant.
Coding change: c.459G>T on transcript NM_006147.4 (MANE Select); coding-DNA position 459, G replaced by T.
Protein change: p.Ser153=; no amino-acid change (serine 153 retained).
Molecular consequence: synonymous variant.
Genome position (GRCh38, 1-based): chr1:209,795,339, C>A on the plus strand (G>T on the coding strand, the complement: IRF6 is on the minus strand). VCF-style: chr1-209795339-C-A. GRCh37 (hg19) VCF-style: chr1-209968684-C-A.
Other names: c.174G>T, p.Ser58= (NM_001206696.2).
Identifiers: ClinVar variation 259925 (VCV000259925.22), dbSNP rs2013162, ClinGen allele CA1377324.
Genomic context (GRCh38, chr1:209,795,339, plus strand): 5'-TCCCCACTCACCATTGATGTTCAGGAAGGGGAAGGTGTCCTGGATGGGAACATGGTGCTG[C>A]GACTGATCCAGCTCATCTTCCTCATCTTCTTCATCCACATCATTATCCTTCTCATCCCAG-3'
Protein context (NP_006138.1, residues 143-163): EEDEEDELDQ[Ser153=]QHHVPIQDTF

ClinVar aggregate classification (germline): Benign. Review status: criteria provided, multiple submitters, no conflicts (2 of 4 stars). 8 submissions from 7 submitters: Benign (8). Last evaluated 2026-02-04.

Conditions:
Autosomal dominant popliteal pterygium syndrome. Also called: CLEFT LIP/PALATE, PARAMEDIAN MUCOUS CYSTS OF THE LOWER LIP, POPLITEAL PTERYGIUM, DIGITAL AND GENITAL ANOMALIES; FACIOGENITOPOPLITEAL SYNDROME; Popliteal Pterygium Syndrome (PPS). Identifiers: Orphanet 1300, MedGen C5848052, MONDO:0007334, OMIM 119500.
Orofacial cleft 6, susceptibility to (OFC6). Also called: CLEFT LIP WITH OR WITHOUT CLEFT PALATE, NONSYNDROMIC, 6. Identifiers: MedGen C1837213, MONDO:0012141, OMIM 608864.
Popliteal pterygium syndrome (PPS). Identifiers: Orphanet 294963, MedGen C0265259, MONDO:0017435.
Van der Woude syndrome. Identifiers: Orphanet 888, MedGen C0175697, MONDO:0019508.
Van der Woude syndrome 1. Also called: CLEFT LIP AND/OR PALATE WITH MUCOUS CYSTS OF LOWER LIP; van der Woude Syndrome (VWS). Identifiers: MedGen C4551864, MONDO:0007333, OMIM 119300.

Allele frequency attached by ClinVar (database versions not stated): ESP Exome Variant Server 0.34238; gnomAD 0.35925 and 0.36501; TOPMed 0.37112; 1000 Genomes Project 30x 0.39694; 1000 Genomes Project 0.40375.
gnomAD v4.1: 618,213 of 1,613,602 alleles (38%); highest among the groups gnomAD compares: East Asian, 57%; 121,060 homozygotes.

Submissions (9):

Labcorp Genetics (formerly Invitae), Labcorp
Classification: Benign for Orofacial cleft 6, susceptibility to; Van der Woude syndrome; Popliteal pterygium syndrome. Last evaluated: 2026-02-04. Review status: criteria provided, single submitter. Criteria: Invitae Variant Classification Sherloc (09022015). Collection method: clinical testing. Allele origin: germline.

Blueprint Genetics
Classification: Benign. Last evaluated: 2024-11-26. Review status: criteria provided, single submitter. Criteria: ACMG Guidelines, 2015. Collection method: clinical testing. Allele origin: germline.

Genome-Nilou Lab
Classification: Benign for Autosomal dominant popliteal pterygium syndrome. Last evaluated: 2021-08-19. Review status: criteria provided, single submitter. Criteria: ACMG Guidelines, 2015. Collection method: clinical testing. Allele origin: germline. Affected: no.

Illumina Laboratory Services, Illumina
Classification: Benign for Orofacial cleft 6, susceptibility to. Last evaluated: 2017-04-27. Review status: criteria provided, single submitter. Criteria: ICSL Variant Classification Criteria 13 December 2019. Collection method: clinical testing. Allele origin: germline.
Comment: This variant was observed as part of a predisposition screen in an ostensibly healthy population. A literature search was performed for the gene, cDNA change, and amino acid change (where applicable). Publications were found based on this search. The evidence from the literature, in combination with allele frequency data from public databases where available, was sufficient to rule this variant out of causing disease. Therefore, this variant is classified as benign.

Illumina Laboratory Services, Illumina
Classification: Benign for Van der Woude syndrome 1. Last evaluated: 2017-04-27. Review status: criteria provided, single submitter. Criteria: ICSL Variant Classification Criteria 13 December 2019. Collection method: clinical testing. Allele origin: germline.
Comment: This variant was observed as part of a predisposition screen in an ostensibly healthy population. A literature search was performed for the gene, cDNA change, and amino acid change (where applicable). No publications were found based on this search. Allele frequency data from public databases was too high to be consistent with this variant causing disease. Therefore, this variant is classified as benign.

GeneDx
Classification: Benign. Last evaluated: 2015-03-03. Review status: criteria provided, single submitter. Criteria: GeneDx Variant Classification Process June 2021. Collection method: clinical testing. Allele origin: germline. Affected: yes.

Breakthrough Genomics
Classification: Benign. Review status: criteria provided, single submitter. Criteria: ACMG Guidelines, 2015. Collection method: not provided. Allele origin: germline. Inheritance: Autosomal dominant inheritance. Affected: yes.

PreventionGenetics, part of Exact Sciences
Classification: Benign. Review status: criteria provided, single submitter. Criteria: ACMG Guidelines, 2015. Collection method: clinical testing. Allele origin: germline.

Dr. Peter K. Rogan Lab, Western University
No classification provided (evidence only). Condition: Familial cancer of breast. Review status: no classification provided. Collection method: in vitro. Allele origin: not applicable. Functional consequence: retained intron. Not counted in ClinVar's aggregate classification.

Literature cited by the submitters: PubMed 19734457 (cited by Illumina Laboratory Services, Illumina); PubMed 15558496 (cited by Illumina Laboratory Services, Illumina); PubMed 16096995 (cited by Illumina Laboratory Services, Illumina); PubMed 18209213 (cited by Illumina Laboratory Services, Illumina); PubMed 22440537 (cited by Illumina Laboratory Services, Illumina).